The following is an entry in ClinVar:

ClinVar aggregate classification (germline): Uncertain significance (1 of 4 stars; one submission).

Submission:

Labcorp Genetics (formerly Invitae), Labcorp
Classification: Uncertain significance. Last evaluated: 2025-11-03. Review status: criteria provided, single submitter. Criteria: Invitae Variant Classification Sherloc (09022015). Collection method: clinical testing. Allele origin: germline.
Comment: This sequence change replaces alanine, which is neutral and non-polar, with valine, which is neutral and non-polar, at codon 1068 of the TOP2B protein (p.Ala1068Val). This variant is not present in population databases (gnomAD no frequency). This variant has not been reported in the literature in individuals affected with TOP2B-related conditions. An algorithm developed to predict the effect of missense changes on protein structure and function (PolyPhen-2) suggests that this variant is likely to be tolerated. In summary, the available evidence is currently insufficient to determine the role of this variant in disease. Therefore, it has been classified as a Variant of Uncertain Significance.

NM_001330700.2(TOP2B):c.3218C>T (p.Ala1073Val)

Gene: TOP2B (DNA topoisomerase II beta; minus strand). Cytogenetic location: 3p24.2.
Variant type: single nucleotide variant.
Coding change: c.3218C>T on transcript NM_001330700.2 (MANE Select); coding-DNA position 3218, C replaced by T.
Protein change: p.Ala1073Val; replaces alanine 1073 with valine.
Molecular consequence: missense variant.
Genome position (GRCh38, 1-based): chr3:25,618,695, G>A on the plus strand (C>T on the coding strand, the complement: TOP2B is on the minus strand). VCF-style: chr3-25618695-G-A. GRCh37 (hg19) VCF-style: chr3-25660186-G-A.
Other names: c.3203C>T, p.Ala1068Val (NM_001068.3); short protein forms A1073V, A1068V.
Identifiers: ClinVar variation 4759553 (VCV004759553.1).